The following is an entry in ClinVar:

NM_006662.3(SRCAP):c.1279G>A (p.Val427Met)

Gene: SRCAP (Snf2 related CREBBP activator protein; plus strand). Cytogenetic location: 16p11.2.
Variant type: single nucleotide variant.
Coding change: c.1279G>A on transcript NM_006662.3 (MANE Select); coding-DNA position 1279, G replaced by A.
Protein change: p.Val427Met; replaces valine 427 with methionine.
Molecular consequence: missense variant.
Genome position (GRCh38, 1-based): chr16:30,711,049, G>A. VCF-style: chr16-30711049-G-A. GRCh37 (hg19) VCF-style: chr16-30722370-G-A.
Other names: short protein forms V427M.
Identifiers: ClinVar variation 1334613 (VCV001334613.6), dbSNP rs140083344, ClinGen allele CA8010956.

ClinVar aggregate classification (germline): Uncertain significance. Review status: criteria provided, multiple submitters, no conflicts (2 of 4 stars). 2 submissions from 2 submitters: Uncertain significance (2). Last evaluated 2024-04-16.

Conditions:
Developmental delay, hypotonia, musculoskeletal defects, and behavioral abnormalities. Identifiers: MedGen C5562012, MONDO:0859202, OMIM 619595.
Floating-Harbor syndrome (FLHS). Also called: Short stature with delayed bone age, expressive language delay, a triangular face with a prominent nose and deep-set eyes; Pelletier-Leisti syndrome; SRCAP-Related Floating-Harbor Syndrome. Identifiers: Orphanet 2044, MedGen C0729582, MONDO:0007621, OMIM 136140.

Allele frequency attached by ClinVar (database versions not stated): gnomAD exomes below 0.00001; ExAC 0.00001; gnomAD 0.00001; TOPMed 0.00002; ESP Exome Variant Server 0.00008.
gnomAD v4.1: 1 of 1,613,976 alleles (0.000062%); highest among the groups gnomAD compares: African/African-American, 0.0013%; no homozygotes.

Submissions (2):

Fulgent Genetics
Classification: Uncertain significance for Floating-Harbor syndrome; Developmental delay, hypotonia, musculoskeletal defects, and behavioral abnormalities. Last evaluated: 2024-04-16. Review status: criteria provided, single submitter. Criteria: ACMG Guidelines, 2015. Collection method: clinical testing. Allele origin: germline.

Greenwood Genetic Center Diagnostic Laboratories, Greenwood Genetic Center
Classification: Uncertain significance. Last evaluated: 2021-10-12. Review status: criteria provided, single submitter. Criteria: ACMG Guidelines, 2015. Collection method: clinical testing. Allele origin: germline. Affected: yes.
Comment: PM2